The following is an entry in ClinVar:

NM_017739.4(POMGNT1):c.373C>T (p.Arg125Trp)

Genes: POMGNT1 (protein O-linked mannose N-acetylglucosaminyltransferase 1 (beta 1,2-); minus strand), TSPAN1 (tetraspanin 1; plus strand). Cytogenetic location: 1p34.1.
Variant type: single nucleotide variant.
Coding change: c.373C>T on transcript NM_017739.4 (MANE Select); coding-DNA position 373, C replaced by T.
Protein change: p.Arg125Trp; replaces arginine 125 with tryptophan.
Molecular consequence: missense variant. On other transcripts: 5 prime UTR variant (1).
Genome position (GRCh38, 1-based): chr1:46,196,059, G>A on the plus strand (C>T on the coding strand, the complement: POMGNT1 is on the minus strand). VCF-style: chr1-46196059-G-A. GRCh37 (hg19) VCF-style: chr1-46661731-G-A.
Other names: c.373C>T, p.Arg125Trp (NM_001243766.2, NM_001410783.1); c.307C>T, p.Arg103Trp (NM_001290129.3); c.-57C>T (NM_001290130.2); short protein forms R103W, R125W.
Identifiers: ClinVar variation 2158880 (VCV002158880.5), dbSNP rs201665944, ClinGen allele CA833760.

ClinVar aggregate classification (germline): Uncertain significance. Review status: criteria provided, multiple submitters, no conflicts (2 of 4 stars). 3 submissions from 3 submitters: Uncertain significance (3). Last evaluated 2024-07-26.

Conditions:
Autosomal recessive limb-girdle muscular dystrophy type 2O. Also called: Limb-Girdle Muscular Dystrophy Type 3C; MUSCULAR DYSTROPHY-DYSTROGLYCANOPATHY (LIMB-GIRDLE), TYPE C, 3; MUSCULAR DYSTROPHY-DYSTROGLYCANOPATHY, LIMB-GIRDLE, POMGNT1-RELATED. Identifiers: Orphanet 206564, MedGen C3150417, MONDO:0013161, OMIM 613157.
Muscular dystrophy-dystroglycanopathy (congenital with impaired intellectual development), type B, 3. Also called: Muscular dystrophy-dystroglycanopathy (congenital with intellectual disability), type B3; MUSCULAR DYSTROPHY, CONGENITAL, POMGNT1-RELATED. Identifiers: MedGen C3150412, MONDO:0013155, OMIM 613151.
Inborn genetic diseases. Identifiers: MedGen C0950123, MeSH D030342.

Allele frequency attached by ClinVar (database versions not stated): TOPMed 0.00001; 1000 Genomes Project 30x 0.00016; 1000 Genomes Project 0.00020.
gnomAD v4.1: 13 of 1,613,906 alleles (0.00081%); highest among the groups gnomAD compares: Admixed American, 0.0033%; no homozygotes.

Submissions (3):

Ambry Genetics
Classification: Uncertain significance for Inborn genetic diseases. Last evaluated: 2024-07-26. Review status: criteria provided, single submitter. Criteria: Ambry Variant Classification Scheme 2023. Collection method: clinical testing. Allele origin: germline.

Labcorp Genetics (formerly Invitae), Labcorp
Classification: Uncertain significance for Autosomal recessive limb-girdle muscular dystrophy type 2O; Muscular dystrophy-dystroglycanopathy (congenital with impaired intellectual development), type B, 3. Last evaluated: 2022-09-13. Review status: criteria provided, single submitter. Criteria: Invitae Variant Classification Sherloc (09022015). Collection method: clinical testing. Allele origin: germline.
Comment: This sequence change replaces arginine, which is basic and polar, with tryptophan, which is neutral and slightly polar, at codon 125 of the POMGNT1 protein (p.Arg125Trp). This variant is present in population databases (rs201665944, gnomAD 0.002%). This variant has not been reported in the literature in individuals affected with POMGNT1-related conditions. Advanced modeling of protein sequence and biophysical properties (such as structural, functional, and spatial information, amino acid conservation, physicochemical variation, residue mobility, and thermodynamic stability) performed at Invitae indicates that this missense variant is not expected to disrupt POMGNT1 protein function. In summary, the available evidence is currently insufficient to determine the role of this variant in disease. Therefore, it has been classified as a Variant of Uncertain Significance.

Revvity Omics, Revvity
Classification: Uncertain significance. Last evaluated: 2019-12-17. Review status: criteria provided, single submitter. Criteria: ACMG Guidelines, 2015. Collection method: clinical testing. Allele origin: germline.